The following is an entry in ClinVar:

NM_001080.3(ALDH5A1):c.277T>C (p.Cys93Arg)

Genes: ALDH5A1 (aldehyde dehydrogenase 5 family member A1; plus strand), GPLD1 (glycosylphosphatidylinositol specific phospholipase D1; minus strand), LOC129995978 (ATAC-STARR-seq lymphoblastoid silent region 16989; plus strand). Cytogenetic location: 6p22.3.
Variant type: single nucleotide variant.
Coding change: c.277T>C on transcript NM_001080.3 (MANE Select); coding-DNA position 277, T replaced by C.
Protein change: p.Cys93Arg; replaces cysteine 93 with arginine.
Molecular consequence: missense variant.
Genome position (GRCh38, 1-based): chr6:24,495,273, T>C. VCF-style: chr6-24495273-T-C. GRCh37 (hg19) VCF-style: chr6-24495501-T-C.
Other names: c.277T>C, p.Cys93Arg (NM_001368954.1, NM_170740.1); short protein forms C93R.
Identifiers: ClinVar variation 1878488 (VCV001878488.4), dbSNP rs1581800912, ClinGen allele CA362968586.

ClinVar aggregate classification (germline): Likely pathogenic (1 of 4 stars; one submission).

Conditions:
Succinate-semialdehyde dehydrogenase deficiency (SSADHD). Also called: Succinic Semialdehyde Dehydrogenase Deficiency; SSADH DEFICIENCY; 4-HYDROXYBUTYRIC ACIDURIA; GABA METABOLIC DEFECT. Identifiers: Orphanet 22, MedGen C0268631, MONDO:0010083, OMIM 271980.

gnomAD v4.1: 3 of 1,532,682 alleles (0.0002%); highest among the groups gnomAD compares: South Asian, 0.0024%; no homozygotes.

Submission:

Elsea Laboratory, Baylor College of Medicine
Classification: Likely pathogenic for Succinate-semialdehyde dehydrogenase deficiency. Last evaluated: 2021-03-08. Review status: criteria provided, single submitter. Criteria: Martin et al. (J Child Neurol. 2021). Collection method: curation. Allele origin: germline. Affected: yes.
Comment: deficient enzyme activity; NAD binding domain

Literature cited by the submitters: PubMed 33203024; PubMed 32402538.